The following is an entry in ClinVar:

NM_018557.3(LRP1B):c.12790G>C (p.Val4264Leu)

Gene: LRP1B (LDL receptor related protein 1B; minus strand). Cytogenetic location: 2q22.1.
Variant type: single nucleotide variant.
Coding change: c.12790G>C on transcript NM_018557.3 (MANE Select); coding-DNA position 12790, G replaced by C.
Protein change: p.Val4264Leu; replaces valine 4264 with leucine.
Molecular consequence: missense variant.
Genome position (GRCh38, 1-based): chr2:140,314,950, C>G on the plus strand (G>C on the coding strand, the complement: LRP1B is on the minus strand). VCF-style: chr2-140314950-C-G. GRCh37 (hg19) VCF-style: chr2-141072519-C-G.
Other names: short protein forms V4264L.
Identifiers: ClinVar variation 3055421 (VCV003055421.2), dbSNP rs17386226, ClinGen allele CA1892729.

ClinVar aggregate classification (germline): Benign (0 of 4 stars; one submission).

Conditions:
LRP1B-related disorder. Also called: LRP1B-related condition.

Allele frequency attached by ClinVar (database versions not stated): 1000 Genomes Project 30x 0.01405; 1000 Genomes Project 0.01438; ESP Exome Variant Server 0.02084.
gnomAD v4.1: 26,982 of 1,603,762 alleles (1.7%); highest among the groups gnomAD compares: African/African-American, 2.9%; 308 homozygotes.

Submission:

PreventionGenetics, part of Exact Sciences
Classification: Benign for LRP1B-related condition. Last evaluated: 2019-04-23. Review status: no assertion criteria provided. Collection method: clinical testing. Allele origin: germline.
Comment: This variant is classified as benign based on ACMG/AMP sequence variant interpretation guidelines (Richards et al. 2015 PMID: 25741868, with internal and published modifications).